The following is an entry in ClinVar:

NM_018671.5(UNC45A):c.[2678C>T;2779T>G]

Variant type: Haplotype.
Identifiers: ClinVar variation 1164084 (VCV001164084.2).

ClinVar aggregate classification (germline): Pathogenic (0 of 4 stars; one submission).

Conditions:
Osteootohepatoenteric syndrome. Identifiers: MedGen C5543557, MONDO:0859164, OMIM 619377.

Submission:

OMIM
Classification: Pathogenic for OSTEOOTOHEPATOENTERIC SYNDROME. Last evaluated: 2024-03-11. Review status: no assertion criteria provided. Collection method: literature only. Allele origin: germline.

Literature cited by the submitters: PubMed 29429573.